The following is an entry in ClinVar:

ClinVar aggregate classification (germline): Conflicting classifications of pathogenicity. Review status: criteria provided, conflicting classifications (1 of 4 stars). 4 submissions from 4 submitters: Uncertain significance (2); Likely benign (1). 1 of the submissions does not count toward it. Last evaluated 2026-08-06.

Conditions:
MYO5B-related disorder. Also called: MYO5B-related condition.
Inborn genetic diseases. Identifiers: MedGen C0950123, MeSH D030342.
Congenital microvillous atrophy (DIAR2). Also called: CONGENITAL FAMILIAL PROTRACTED DIARRHEA WITH ENTEROCYTE BRUSH-BORDER ABNORMALITIES; DAVIDSON DISEASE; MICROVILLUS ATROPHY, CONGENITAL; Diarrhea 2 with microvillus atrophy, with or without cholestasis; Microvillus inclusion disease. Identifiers: Orphanet 2290, MedGen C0341306, MONDO:0009635, OMIM 251850.

Allele frequency attached by ClinVar (database versions not stated): gnomAD 0.00109 and 0.00113; ESP Exome Variant Server 0.00138; 1000 Genomes Project 0.00160; 1000 Genomes Project 30x 0.00203; TOPMed 0.00120.
gnomAD v4.1: 442 of 1,613,848 alleles (0.027%); highest among the groups gnomAD compares: African/African-American, 0.38%; 1 homozygote.

Submissions (4):

OLLIN Analises Genomicas, OLLIN
Classification: Uncertain significance for Congenital microvillous atrophy. Last evaluated: 2026-08-06. Review status: criteria provided, single submitter. Criteria: ACMG Guidelines 2015 PMID 25741868. Collection method: clinical testing. Allele origin: germline. Inheritance: Autosomal recessive inheritance.
Comment: This missense variant, located in exon 13 (of 40), has been reported in ClinVar (accession VCV000727603.15) and in gnomAD with an allele frequency of 0.027%. However, to our knowledge, it has not been reported in the scientific literature. In silico analysis is inconclusive regarding the impact of this variant. According to the currently available evidence, this variant has been classified as uncertain significance (PM2_P).

Labcorp Genetics (formerly Invitae), Labcorp
Classification: Likely benign. Last evaluated: 2026-01-04. Review status: criteria provided, single submitter. Criteria: Invitae Variant Classification Sherloc (09022015). Collection method: clinical testing. Allele origin: germline.

Ambry Genetics
Classification: Uncertain significance for Inborn genetic diseases. Last evaluated: 2024-08-29. Review status: criteria provided, single submitter. Criteria: Ambry Variant Classification Scheme 2023. Collection method: clinical testing. Allele origin: germline.

PreventionGenetics, part of Exact Sciences
Classification: Likely benign for MYO5B-related condition. Last evaluated: 2022-04-05. Review status: no assertion criteria provided. Collection method: clinical testing. Allele origin: germline. Not counted in ClinVar's aggregate classification.
Comment: This variant is classified as likely benign based on ACMG/AMP sequence variant interpretation guidelines (Richards et al. 2015 PMID: 25741868, with internal and published modifications).

NM_001080467.3(MYO5B):c.1546G>A (p.Val516Ile)

Gene: MYO5B (myosin VB; minus strand). Cytogenetic location: 18q21.1.
Variant type: single nucleotide variant.
Coding change: c.1546G>A on transcript NM_001080467.3 (MANE Select); coding-DNA position 1546, G replaced by A.
Protein change: p.Val516Ile; replaces valine 516 with isoleucine.
Molecular consequence: missense variant.
Genome position (GRCh38, 1-based): chr18:49,954,435, C>T on the plus strand (G>A on the coding strand, the complement: MYO5B is on the minus strand). VCF-style: chr18-49954435-C-T. GRCh37 (hg19) VCF-style: chr18-47480805-C-T.
Other names: short protein forms V516I.
Identifiers: ClinVar variation 727603 (VCV000727603.16), dbSNP rs192135533, ClinGen allele CA8961468.
Genomic context (GRCh38, chr18:49,954,435, plus strand): 5'-GGCTGCTGGAGTGCCGGTCATAGAGCTTCTGAGCCCAGTTCTGGTCAGTTCCTTTGGGGA[C>T]CTGCAGAACCACAAGATAGGGCAGAGCGCTTTGTGAAGAGGAAGAAGGAAGCCCTGGGTT-3'
Protein context (NP_001073936.1, residues 506-526): ILDLLDEECK[Val516Ile]PKGTDQNWAQ